The following is an entry in ClinVar:

NM_000548.5(TSC2):c.1717-3del

Gene: TSC2 (TSC complex subunit 2; plus strand). Cytogenetic location: 16p13.3.
Variant type: Deletion.
Coding change: c.1717-3del on transcript NM_000548.5 (MANE Select); 3 bases into the intron before coding-DNA position 1717, one base deleted (C; older notation c.1717-3delC).
Molecular consequence: intron variant.
Genome position (GRCh38, 1-based): chr16:2,070,453, C deleted. VCF-style (leftmost placement, unchanged base first): chr16-2070452-GC-G. GRCh37 (hg19) VCF-style: chr16-2120453-GC-G.
Other names: c.373-3del (NM_001406693.1, NM_001406689.1, NM_001406690.1 and 6 more transcripts); c.1807-3del (NM_001406667.1, NM_001406668.1); c.1117-3del (NM_001406680.1, NM_001406683.1, NM_001406687.1 and 6 more transcripts); c.115-3del (NM_001406698.1); c.1717-3del (NM_001114382.3, NM_001406663.1, NM_001406664.1 and 6 more transcripts); c.1705-3del (NM_001406671.1, NM_001406673.1); c.1255-3del (NM_001406681.1); c.1606-3del (NM_001406670.1, NM_001318827.2, NM_001406678.1); and 3 more.
Identifiers: ClinVar variation 2711279 (VCV002711279.3), dbSNP rs2543621608, ClinGen allele CA2697549562.

ClinVar aggregate classification (germline): Uncertain significance (1 of 4 stars; one submission).

Conditions:
Tuberous sclerosis 2 (TSC2). Identifiers: Orphanet 805, MedGen C1860707, MONDO:0013199, OMIM 613254.

Submission:

Labcorp Genetics (formerly Invitae), Labcorp
Classification: Uncertain significance for Tuberous sclerosis 2. Last evaluated: 2024-01-25. Review status: criteria provided, single submitter. Criteria: Invitae Variant Classification Sherloc (09022015). Collection method: clinical testing. Allele origin: germline.
Comment: This sequence change falls in intron 16 of the TSC2 gene. It does not directly change the encoded amino acid sequence of the TSC2 protein. It affects a nucleotide within the consensus splice site. This variant is not present in population databases (gnomAD no frequency). This variant has not been reported in the literature in individuals affected with TSC2-related conditions. Variants that disrupt the consensus splice site are a relatively common cause of aberrant splicing (PMID: 17576681, 9536098). Algorithms developed to predict the effect of sequence changes on RNA splicing suggest that this variant may disrupt the consensus splice site. In summary, the available evidence is currently insufficient to determine the role of this variant in disease. Therefore, it has been classified as a Variant of Uncertain Significance.

Literature cited by the submitters: PubMed 17576681; PubMed 9536098.